The following is an entry in ClinVar:

ClinVar aggregate classification (germline): Uncertain significance (1 of 4 stars; one submission).

Conditions:
Propionic acidemia (PROP). Also called: GLYCINEMIA, KETOTIC; HYPERGLYCINEMIA WITH KETOACIDOSIS AND LEUKOPENIA; KETOTIC HYPERGLYCINEMIA. Identifiers: Orphanet 35, MedGen C0268579, MONDO:0011628, OMIM 606054, HP:0003571.

Allele frequency attached by ClinVar (database versions not stated): ExAC 0.00001; gnomAD 0.00001; gnomAD exomes 0.00001.

Submission:

Labcorp Genetics (formerly Invitae), Labcorp
Classification: Uncertain significance for Propionic acidemia. Last evaluated: 2022-08-09. Review status: criteria provided, single submitter. Criteria: Invitae Variant Classification Sherloc (09022015). Collection method: clinical testing. Allele origin: germline.
Comment: This sequence change falls in intron 1 of the PCCB gene. It does not directly change the encoded amino acid sequence of the PCCB protein. This variant is present in population databases (rs745694339, gnomAD 0.008%). This variant has not been reported in the literature in individuals affected with PCCB-related conditions. ClinVar contains an entry for this variant (Variation ID: 1420148). Algorithms developed to predict the effect of sequence changes on RNA splicing suggest that this variant may disrupt the consensus splice site. In summary, the available evidence is currently insufficient to determine the role of this variant in disease. Therefore, it has been classified as a Variant of Uncertain Significance.

NM_000532.5(PCCB):c.183+12_183+31dup

Gene: PCCB (propionyl-CoA carboxylase subunit beta; plus strand). Cytogenetic location: 3q22.3.
Variant type: Duplication.
Coding change: c.183+12_183+31dup on transcript NM_000532.5 (MANE Select); bases 12 to 31 of the intron after coding-DNA position 183, 20 bases duplicated (GGGGCCTAAGTGAGTCCCGC).
Molecular consequence: intron variant.
Genome position (GRCh38, 1-based): chr3:136,250,570-136,250,589, GGGGCCTAAGTGAGTCCCGC duplicated. VCF-style (leftmost placement, unchanged base first): chr3-136250569-A-AGGGGCCTAAGTGAGTCCCGC. GRCh37 (hg19) VCF-style: chr3-135969411-A-AGGGGCCTAAGTGAGTCCCGC.
Other names: c.183+12_183+31dup (NM_001178014.2).
Identifiers: ClinVar variation 1420148 (VCV001420148.5), dbSNP rs745694339, ClinGen allele CA2631603.